The following is an entry in ClinVar:

ClinVar aggregate classification (germline): Uncertain significance. Review status: criteria provided, multiple submitters, no conflicts (2 of 4 stars). 2 submissions from 2 submitters: Uncertain significance (2). Last evaluated 2019-10-23.

Conditions:
Familial acute necrotizing encephalopathy (IIAE3). Also called: ENCEPHALOPATHY, ACUTE, INFECTION-INDUCED, SUSCEPTIBILITY TO, 3; Susceptibility to Acute Necrotizing Encephalopathy 1. Identifiers: Orphanet 88619, MedGen C2675556, MONDO:0011953, OMIM 608033.

Submissions (2):

Labcorp Genetics (formerly Invitae), Labcorp
Classification: Uncertain significance for Encephalopathy, acute, infection-induced, 3, suceptibility to. Last evaluated: 2019-10-23. Review status: criteria provided, single submitter. Criteria: Invitae Variant Classification Sherloc (09022015). Collection method: clinical testing. Allele origin: germline.
Comment: This sequence change replaces aspartic acid with glutamic acid at codon 2375 of the RANBP2 protein (p.Asp2375Glu). The aspartic acid residue is highly conserved and there is a small physicochemical difference between aspartic acid and glutamic acid. This variant is not present in population databases (ExAC no frequency). This variant has not been reported in the literature in individuals with RANBP2-related conditions. Algorithms developed to predict the effect of missense changes on protein structure and function are either unavailable or do not agree on the potential impact of this missense change (SIFT: "Deleterious"; PolyPhen-2: "Benign"; Align-GVGD: "Class C35"). In summary, the available evidence is currently insufficient to determine the role of this variant in disease. Therefore, it has been classified as a Variant of Uncertain Significance.

Baylor Genetics
Classification: Uncertain significance for Familial acute necrotizing encephalopathy. Last evaluated: 2019-07-18. Review status: criteria provided, single submitter. Criteria: ACMG Guidelines, 2015. Collection method: clinical testing. Allele origin: unknown. Affected: yes.
Comment: This variant was determined to be of uncertain significance according to ACMG Guidelines, 2015 [PMID:25741868].

NM_006267.5(RANBP2):c.7125C>A (p.Asp2375Glu)

Gene: RANBP2 (RAN binding protein 2; plus strand). Cytogenetic location: 2q13.
Variant type: single nucleotide variant.
Coding change: c.7125C>A on transcript NM_006267.5 (MANE Select); coding-DNA position 7125, C replaced by A.
Protein change: p.Asp2375Glu; replaces aspartic acid 2375 with glutamic acid.
Molecular consequence: missense variant.
Genome position (GRCh38, 1-based): chr2:108,767,664, C>A. VCF-style: chr2-108767664-C-A. GRCh37 (hg19) VCF-style: chr2-109384120-C-A.
Other names: short protein forms D2375E.
Identifiers: ClinVar variation 961380 (VCV000961380.2), dbSNP rs1332179032, ClinGen allele CA348077104.